The following is an entry in ClinVar:

NM_001429.4(EP300):c.2462A>T (p.Gln821Leu)

Gene: EP300 (EP300 lysine acetyltransferase; plus strand). Cytogenetic location: 22q13.2.
Variant type: single nucleotide variant.
Coding change: c.2462A>T on transcript NM_001429.4 (MANE Select); coding-DNA position 2462, A replaced by T.
Protein change: p.Gln821Leu; replaces glutamine 821 with leucine.
Molecular consequence: missense variant.
Genome position (GRCh38, 1-based): chr22:41,149,843, A>T. VCF-style: chr22-41149843-A-T. GRCh37 (hg19) VCF-style: chr22-41545847-A-T.
Other names: c.2384A>T, p.Gln795Leu (NM_001362843.2); short protein forms Q821L, Q795L.
Identifiers: ClinVar variation 2697105 (VCV002697105.3), dbSNP rs2517797702, ClinGen allele CA411691344.

ClinVar aggregate classification (germline): Uncertain significance (1 of 4 stars; one submission).

Conditions:
Rubinstein-Taybi syndrome due to EP300 haploinsufficiency. Also called: RUBINSTEIN-TAYBI SYNDROME 2; EP300-Related Rubinstein-Taybi Syndrome. Identifiers: Orphanet 353284, Orphanet 783, MedGen C3150941, MONDO:0013364, OMIM 613684.

Submission:

Labcorp Genetics (formerly Invitae), Labcorp
Classification: Uncertain significance for Rubinstein-Taybi syndrome due to EP300 haploinsufficiency. Last evaluated: 2023-11-18. Review status: criteria provided, single submitter. Criteria: Invitae Variant Classification Sherloc (09022015). Collection method: clinical testing. Allele origin: germline.
Comment: This sequence change replaces glutamine, which is neutral and polar, with leucine, which is neutral and non-polar, at codon 821 of the EP300 protein (p.Gln821Leu). This variant is not present in population databases (gnomAD no frequency). This variant has not been reported in the literature in individuals affected with EP300-related conditions. Advanced modeling of protein sequence and biophysical properties (such as structural, functional, and spatial information, amino acid conservation, physicochemical variation, residue mobility, and thermodynamic stability) performed at Invitae indicates that this missense variant is not expected to disrupt EP300 protein function with a negative predictive value of 80%. In summary, the available evidence is currently insufficient to determine the role of this variant in disease. Therefore, it has been classified as a Variant of Uncertain Significance.